The following is an entry in ClinVar:

ClinVar aggregate classification (germline): Uncertain significance (1 of 4 stars; one submission).

Submission:

GeneDx
Classification: Uncertain significance. Last evaluated: 2026-03-16. Review status: criteria provided, single submitter. Criteria: GeneDx Variant Classification Process June 2021. Collection method: clinical testing. Allele origin: germline.
Comment: Not observed at significant frequency in large population cohorts (gnomAD); In silico analysis supports that this missense variant has a deleterious effect on protein structure/function; Has not been previously published as pathogenic or benign to our knowledge

NM_001008537.3(NEXMIF):c.1831A>T (p.Ser611Cys)

Gene: NEXMIF (neurite extension and migration factor; minus strand). Cytogenetic location: Xq13.3.
Variant type: single nucleotide variant.
Coding change: c.1831A>T on transcript NM_001008537.3 (MANE Select); coding-DNA position 1831, A replaced by T.
Protein change: p.Ser611Cys; replaces serine 611 with cysteine.
Molecular consequence: missense variant.
Genome position (GRCh38, 1-based): chrX:74,742,726, T>A on the plus strand (A>T on the coding strand, the complement: NEXMIF is on the minus strand). VCF-style: chrX-74742726-T-A. GRCh37 (hg19) VCF-style: chrX-73962561-T-A.
Other names: short protein forms S611C.
Identifiers: ClinVar variation 5009286 (VCV005009286.1).